The following is an entry in ClinVar:

NM_003482.4(KMT2D):c.12700_12701del (p.Gln4235fs)

Gene: KMT2D (lysine methyltransferase 2D; minus strand). Cytogenetic location: 12q13.12.
Variant type: Microsatellite.
Coding change: c.12700_12701del on transcript NM_003482.4 (MANE Select); coding-DNA positions 12700 to 12701, 2 bases deleted (AG; older notation c.12700_12701delAG).
Protein change: p.Gln4235fs; shifts the reading frame from glutamine 4235.
Molecular consequence: frameshift variant.
Genome position (GRCh38, 1-based): chr12:49,032,004-49,032,005, CT deleted on the plus strand (AG on the coding strand, the reverse complement: KMT2D is on the minus strand); deleting any 2 consecutive bases within chr12:49,032,004-49,032,007 gives the same sequence; the c. name uses the placement nearest the transcript's 3' end. VCF-style (leftmost placement, unchanged base first): chr12-49032003-ACT-A. GRCh37 (hg19) VCF-style: chr12-49425786-ACT-A.
Other names: short protein forms Q4235fs.
Identifiers: ClinVar variation 981782 (VCV000981782.3), dbSNP rs1942942020, ClinGen allele CA645574492.

ClinVar aggregate classification (germline): Likely pathogenic. Review status: criteria provided, single submitter (1 of 4 stars). 2 submissions from 2 submitters: Likely pathogenic (1). 1 of the submissions does not count toward it.

Conditions:
Kabuki syndrome 1 (KABUK1). Also called: KMT2D-Related Kabuki Syndrome. Identifiers: Orphanet 2322, MedGen CN030661, MONDO:0007843, OMIM 147920.

Submissions (2):

Neuberg Centre For Genomic Medicine, NCGM
Classification: Likely pathogenic for Kabuki syndrome 1. Review status: criteria provided, single submitter. Criteria: ACMG Guidelines, 2015. Collection method: clinical testing. Allele origin: germline. Inheritance: Autosomal dominant inheritance. Affected: yes.
Comment: The frameshift variant c.12700_12701del p.Gln4235GlyfsTer98 in the KMT2D gene has not been reported previously as a pathogenic variant nor as a benign variant, to our knowledge. The variant is novel not in any individuals in gnomAD Exomes and 1000 Genomes. It has been submitted to ClinVar as Pathogenic. However, literature and experimental studies on the pathogenicity of the variant are not available. This variant causes a frameshift starting with codon Glutamine 4235, changes this amino acid to Glycine residue, and creates a premature Stop codon at position 98 of the new reading frame. This variant is predicted to cause a loss of normal protein function through protein truncation. Loss of function variants has been previously reported to be disease causing Daly et al., 2020. For these reasons, this variant has been classified as Likely Pathogenic

Autoinflammatory diseases unit, CHU de Montpellier
Classification: Pathogenic for Kabuki syndrome 1. Last evaluated: 2014-02-20. Review status: no assertion criteria provided. Collection method: clinical testing. Allele origin: unknown. Affected: yes. Not counted in ClinVar's aggregate classification.